The following is an entry in ClinVar:

NM_000492.4(CFTR):c.377G>C (p.Gly126Ala)

Gene: CFTR (CF transmembrane conductance regulator; plus strand). Cytogenetic location: 7q31.2.
Variant type: single nucleotide variant.
Coding change: c.377G>C on transcript NM_000492.4 (MANE Select); coding-DNA position 377, G replaced by C.
Protein change: p.Gly126Ala; replaces glycine 126 with alanine.
Molecular consequence: missense variant.
Genome position (GRCh38, 1-based): chr7:117,531,002, G>C. VCF-style: chr7-117531002-G-C. GRCh37 (hg19) VCF-style: chr7-117171056-G-C.
Other names: short protein forms G126A.
Identifiers: ClinVar variation 1467947 (VCV001467947.12), dbSNP rs397508609, ClinGen allele CA368974527.

ClinVar aggregate classification (germline): Uncertain significance. Review status: criteria provided, multiple submitters, no conflicts (2 of 4 stars). 3 submissions from 3 submitters: Uncertain significance (3). Last evaluated 2024-03-09.

Conditions:
Cystic fibrosis (CF). Also called: MUCOVISCIDOSIS. Identifiers: Orphanet 586, MedGen C0010674, MONDO:0009061, OMIM 219700. Disease mechanism: loss of function.

gnomAD v4.1: 2 of 1,613,626 alleles (0.00012%); highest among the groups gnomAD compares: African/African-American, 0.0027%; no homozygotes.

Submissions (3):

Women's Health and Genetics/Laboratory Corporation of America, LabCorp
Classification: Uncertain significance. Last evaluated: 2024-03-09. Review status: criteria provided, single submitter. Criteria: LabCorp Variant Classification Summary - May 2015. Collection method: clinical testing. Allele origin: germline.
Comment: Variant summary: CFTR c.377G>C (p.Gly126Ala) results in a non-conservative amino acid change located in the ABC transporter type 1, transmembrane domain (IPR011527) of the encoded protein sequence. Four of five in-silico tools predict a damaging effect of the variant on protein function. The variant was absent in 250898 control chromosomes. The available data on variant occurrences in the general population are insufficient to allow any conclusion about variant significance. To our knowledge, no occurrence of c.377G>C in individuals affected with Cystic Fibrosis and no experimental evidence demonstrating its impact on protein function have been reported. ClinVar contains an entry for this variant (Variation ID: 1467947). Based on the evidence outlined above, the variant was classified as uncertain significance.

Labcorp Genetics (formerly Invitae), Labcorp
Classification: Uncertain significance for Cystic fibrosis. Last evaluated: 2024-02-17. Review status: criteria provided, single submitter. Criteria: Invitae Variant Classification Sherloc (09022015). Collection method: clinical testing. Allele origin: germline.
Comment: This sequence change replaces glycine, which is neutral and non-polar, with alanine, which is neutral and non-polar, at codon 126 of the CFTR protein (p.Gly126Ala). This variant is not present in population databases (gnomAD no frequency). This variant has not been reported in the literature in individuals affected with CFTR-related conditions. ClinVar contains an entry for this variant (Variation ID: 1467947). Advanced modeling of protein sequence and biophysical properties (such as structural, functional, and spatial information, amino acid conservation, physicochemical variation, residue mobility, and thermodynamic stability) performed at Invitae indicates that this missense variant is expected to disrupt CFTR protein function with a positive predictive value of 80%. This variant disrupts the p.Gly126 amino acid residue in CFTR. Other variant(s) that disrupt this residue have been determined to be pathogenic (PMID: 23974870). This suggests that this residue is clinically significant, and that variants that disrupt this residue are likely to be disease-causing. In summary, the available evidence is currently insufficient to determine the role of this variant in disease. Therefore, it has been classified as a Variant of Uncertain Significance.

Ambry Genetics
Classification: Uncertain significance for Cystic fibrosis. Last evaluated: 2021-02-17. Review status: criteria provided, single submitter. Criteria: Ambry Variant Classification Scheme 2023. Collection method: clinical testing. Allele origin: germline.
Comment: The p.G126A variant (also known as c.377G>C), located in coding exon 4 of the CFTR gene, results from a G to C substitution at nucleotide position 377. The glycine at codon 126 is replaced by alanine, an amino acid with similar properties. This amino acid position is highly conserved in available vertebrate species. In addition, this alteration is predicted to be deleterious by in silico analysis. Based on internal structural analysis, this variant does not decrease structural stability (Liu F et al. Cell, 2017 03;169:85-95.e8). Since supporting evidence is limited at this time, the clinical significance of this alteration remains unclear.

Literature cited by the submitters: PubMed 23974870 (cited by Labcorp Genetics (formerly Invitae), Labcorp); PubMed 28340353 (cited by Ambry Genetics).